The following is an entry in ClinVar:

ClinVar aggregate classification (germline): Uncertain significance (1 of 4 stars; one submission).

Conditions:
PHGDH deficiency. Identifiers: Orphanet 79351, MedGen C1866174, MONDO:0011152, OMIM 601815.

Allele frequency attached by ClinVar (database versions not stated): gnomAD exomes below 0.00001.
gnomAD v4.1: 1 of 1,614,212 alleles (0.000062%); highest among the groups gnomAD compares: Non-Finnish European, 0.000085%; no homozygotes.

Submission:

Labcorp Genetics (formerly Invitae), Labcorp
Classification: Uncertain significance for PHGDH deficiency. Last evaluated: 2022-08-10. Review status: criteria provided, single submitter. Criteria: Invitae Variant Classification Sherloc (09022015). Collection method: clinical testing. Allele origin: germline.
Comment: This sequence change replaces tryptophan, which is neutral and slightly polar, with cysteine, which is neutral and slightly polar, at codon 133 of the PHGDH protein (p.Trp133Cys). This variant is not present in population databases (gnomAD no frequency). This variant has not been reported in the literature in individuals affected with PHGDH-related conditions. ClinVar contains an entry for this variant (Variation ID: 1488640). Algorithms developed to predict the effect of missense changes on protein structure and function are either unavailable or do not agree on the potential impact of this missense change (SIFT: "Deleterious"; PolyPhen-2: "Probably Damaging"; Align-GVGD: "Class C0"). In summary, the available evidence is currently insufficient to determine the role of this variant in disease. Therefore, it has been classified as a Variant of Uncertain Significance.

NM_006623.4(PHGDH):c.399G>C (p.Trp133Cys)

Gene: PHGDH (phosphoglycerate dehydrogenase; plus strand). Cytogenetic location: 1p12.
Variant type: single nucleotide variant.
Coding change: c.399G>C on transcript NM_006623.4 (MANE Select); coding-DNA position 399, G replaced by C.
Protein change: p.Trp133Cys; replaces tryptophan 133 with cysteine.
Molecular consequence: missense variant.
Genome position (GRCh38, 1-based): chr1:119,726,893, G>C. VCF-style: chr1-119726893-G-C. GRCh37 (hg19) VCF-style: chr1-120269516-G-C.
Other names: short protein forms W133C.
Identifiers: ClinVar variation 1488640 (VCV001488640.3), dbSNP rs1651447610, ClinGen allele CA341847620.
Genomic context (GRCh38, chr1:119,726,893, plus strand): 5'-CTGTGTCTATCCTTGCAGGCAGATTCCCCAGGCGACGGCTTCGATGAAGGACGGCAAATG[G>C]GAGCGGAAGAAGGTGAGCAGCGGCCTTGACTCGCCCCACCTGGGCTCAGGGCCCGGGGTC-3'
Protein context (NP_006614.2, residues 123-143): QATASMKDGK[Trp133Cys]ERKKFMGTEL